The following is an entry in ClinVar:

ClinVar aggregate classification (germline): Uncertain significance (1 of 4 stars; one submission).

Conditions:
Developmental and epileptic encephalopathy, 23 (DEE23). Also called: Epileptic encephalopathy, early infantile, 23. Identifiers: Orphanet 411986, MedGen C4014492, MONDO:0014371, OMIM 615859.

Allele frequency attached by ClinVar (database versions not stated): ExAC 0.00001; gnomAD 0.00001; gnomAD exomes 0.00001; TOPMed 0.00002.
gnomAD v4.1: 18 of 1,587,626 alleles (0.0011%); highest among the groups gnomAD compares: Non-Finnish European, 0.0014%; no homozygotes.

Submission:

Labcorp Genetics (formerly Invitae), Labcorp
Classification: Uncertain significance for Developmental and epileptic encephalopathy, 23. Last evaluated: 2022-05-05. Review status: criteria provided, single submitter. Criteria: Invitae Variant Classification Sherloc (09022015). Collection method: clinical testing. Allele origin: germline.
Comment: This sequence change replaces arginine, which is basic and polar, with glutamine, which is neutral and polar, at codon 429 of the DOCK7 protein (p.Arg429Gln). This variant is present in population databases (rs769900514, gnomAD 0.002%). This variant has not been reported in the literature in individuals affected with DOCK7-related conditions. Algorithms developed to predict the effect of missense changes on protein structure and function are either unavailable or do not agree on the potential impact of this missense change (SIFT: "Tolerated"; PolyPhen-2: "Possibly Damaging"; Align-GVGD: "Class C0"). In summary, the available evidence is currently insufficient to determine the role of this variant in disease. Therefore, it has been classified as a Variant of Uncertain Significance.

NM_001367561.1(DOCK7):c.1286G>A (p.Arg429Gln)

Gene: DOCK7 (dedicator of cytokinesis 7; minus strand). Cytogenetic location: 1p31.3.
Variant type: single nucleotide variant.
Coding change: c.1286G>A on transcript NM_001367561.1 (MANE Select); coding-DNA position 1286, G replaced by A.
Protein change: p.Arg429Gln; replaces arginine 429 with glutamine.
Molecular consequence: missense variant.
Genome position (GRCh38, 1-based): chr1:62,625,398, C>T on the plus strand (G>A on the coding strand, the complement: DOCK7 is on the minus strand). VCF-style: chr1-62625398-C-T. GRCh37 (hg19) VCF-style: chr1-63091069-C-T.
Other names: c.1286G>A, p.Arg429Gln (NM_001271999.2, NM_001272000.2, NM_001272001.2 and 3 more transcripts); short protein forms R429Q.
Identifiers: ClinVar variation 2169120 (VCV002169120.1), dbSNP rs769900514, ClinGen allele CA886982.